The following is an entry in ClinVar:

ClinVar aggregate classification (germline): Pathogenic (1 of 4 stars; one submission).

Conditions:
Tay-Sachs disease (TSD). Also called: HEXA DEFICIENCY; HEXA Disorders; GM2 gangliosidosis, type 1; Hexosaminidase alpha-subunit deficiency (variant B); Sphingolipidosis, Tay-Sachs; Hexosaminidase A Deficiency. Identifiers: Orphanet 845, MedGen C0039373, MONDO:0010100, OMIM 272800.

Submission:

Natera, Inc.
Classification: Pathogenic for Tay-Sachs disease. Last evaluated: 2025-09-19. Review status: criteria provided, single submitter. Criteria: Natera Variant Classification Schema (03/2026). Collection method: clinical testing. Allele origin: germline.
Comment: The c.613delC variant in HEXA is a frameshift variant predicted to shift the reading frame beginning at codon 205 and leads to a stop codon 2 codons downstream. This variant is expected to result in nonsense mediated decay, truncation, or a dysfunctional protein product. This variant is rare in the general population with a frequency below the threshold expected for the associated phenotype(s). This variant has been observed in one or more individuals affected with the associated recessive disease, as either homozygous or compound heterozygous with a second variant (PMID: 10083731). Given the available evidence, this variant is classified as Pathogenic.

Literature cited by the submitters: PubMed 10083731.

NM_000520.6(HEXA):c.613del (p.Leu205fs)

Gene: HEXA (hexosaminidase subunit alpha; minus strand). Cytogenetic location: 15q23.
Variant type: Deletion.
Coding change: c.613del on transcript NM_000520.6 (MANE Select); coding-DNA position 613, one base deleted (C; older notation c.613delC).
Protein change: p.Leu205fs; shifts the reading frame from leucine 205.
Molecular consequence: frameshift variant. On other transcripts: non-coding transcript variant (1).
Genome position (GRCh38, 1-based): chr15:72,351,192, G deleted on the plus strand (C on the coding strand, the reverse complement: HEXA is on the minus strand). VCF-style (leftmost placement, unchanged base first): chr15-72351191-AG-A. GRCh37 (hg19) VCF-style: chr15-72643532-AG-A.
Other names: c.646del, p.Leu216fs (NM_001318825.2); c.613delC (NM_000520.4, NM_000520.5); short protein forms L205fs, L216fs.
Identifiers: ClinVar variation 4814267 (VCV004814267.1).